The following is an entry in ClinVar:

ClinVar aggregate classification (germline): Uncertain significance. Review status: criteria provided, single submitter (1 of 4 stars). 2 submissions from 2 submitters: Uncertain significance (1). 1 of the submissions does not count toward it. Last evaluated 2025-12-26.

Conditions:
Polyglandular autoimmune syndrome, type 1 (APS1). Also called: Autoimmune polyendocrinopathy syndrome , type I, with or without reversible metaphyseal dysplasia; Autoimmune polyendocrine syndrome type 1; AUTOIMMUNE POLYENDOCRINE SYNDROME, TYPE I, WITH OR WITHOUT REVERSIBLE METAPHYSEAL DYSPLASIA; APS I; HYPOADRENOCORTICISM WITH HYPOPARATHYROIDISM AND SUPERFICIAL MONILIASIS; Autoimmune polyendocrinopathy syndrome, type I. Identifiers: Orphanet 3453, MedGen C0085859, MONDO:0009411, OMIM 240300.

Allele frequency attached by ClinVar (database versions not stated): gnomAD 0.00001; gnomAD exomes 0.00001 and 0.00003; ExAC 0.00002; TOPMed 0.00003.

Submissions (2):

Labcorp Genetics (formerly Invitae), Labcorp
Classification: Uncertain significance for Polyglandular autoimmune syndrome, type 1. Last evaluated: 2025-12-26. Review status: criteria provided, single submitter. Criteria: Invitae Variant Classification Sherloc (09022015). Collection method: clinical testing. Allele origin: germline.
Comment: This sequence change replaces proline, which is neutral and non-polar, with leucine, which is neutral and non-polar, at codon 430 of the AIRE protein (p.Pro430Leu). This variant is present in population databases (rs751271727, gnomAD 0.004%). This variant has not been reported in the literature in individuals affected with AIRE-related conditions. ClinVar contains an entry for this variant (Variation ID: 1054956). Invitae Evidence Modeling of protein sequence and biophysical properties (such as structural, functional, and spatial information, amino acid conservation, physicochemical variation, residue mobility, and thermodynamic stability) indicates that this missense variant is not expected to disrupt AIRE protein function with a negative predictive value of 95%. In summary, the available evidence is currently insufficient to determine the role of this variant in disease. Therefore, it has been classified as a Variant of Uncertain Significance.

Natera, Inc.
Classification: Uncertain significance for Polyglandular autoimmune syndrome type 1. Last evaluated: 2020-06-08. Review status: no assertion criteria provided. Collection method: clinical testing. Allele origin: germline. Not counted in ClinVar's aggregate classification.

NM_000383.4(AIRE):c.1289C>T (p.Pro430Leu)

Gene: AIRE (autoimmune regulator; plus strand). Cytogenetic location: 21q22.3.
Variant type: single nucleotide variant.
Coding change: c.1289C>T on transcript NM_000383.4 (MANE Select); coding-DNA position 1289, C replaced by T.
Protein change: p.Pro430Leu; replaces proline 430 with leucine.
Molecular consequence: missense variant.
Genome position (GRCh38, 1-based): chr21:44,293,799, C>T. VCF-style: chr21-44293799-C-T. GRCh37 (hg19) VCF-style: chr21-45713682-C-T.
Other names: short protein forms P430L.
Identifiers: ClinVar variation 1054956 (VCV001054956.7), dbSNP rs751271727, ClinGen allele CA10052043.